The following is an entry in ClinVar:

NM_001033057.2(MAGI1):c.1212G>A (p.Gln404=)

Gene: MAGI1 (membrane associated guanylate kinase, WW and PDZ domain containing 1; minus strand). Cytogenetic location: 3p14.1.
Variant type: single nucleotide variant.
Coding change: c.1212G>A on transcript NM_001033057.2 (MANE Select); coding-DNA position 1212, G replaced by A.
Protein change: p.Gln404=; no amino-acid change (glutamine 404 retained).
Molecular consequence: synonymous variant.
Genome position (GRCh38, 1-based): chr3:65,439,937, C>T on the plus strand (G>A on the coding strand, the complement: MAGI1 is on the minus strand). VCF-style: chr3-65439937-C-T. GRCh37 (hg19) VCF-style: chr3-65425612-C-T.
Other names: c.1215G>A, p.Gln405= (NM_001365903.2, NM_001365904.2, NM_001365905.1); c.1212G>A, p.Gln404= (NM_004742.3, NM_015520.2).
Identifiers: ClinVar variation 2653951 (VCV002653951.24), dbSNP rs567255206, ClinGen allele CA75788232.

ClinVar aggregate classification (germline): Likely benign (1 of 4 stars; one submission).

Allele frequency attached by ClinVar (database versions not stated): 1000 Genomes Project 0.00080.

Submission:

CeGaT Center for Human Genetics Tuebingen
Classification: Likely benign. Last evaluated: 2026-04-01. Review status: criteria provided, single submitter. Criteria: CeGaT Center For Human Genetics Tuebingen Variant Classification Criteria Version 2. Collection method: clinical testing. Allele origin: germline. Affected: yes. Observed: 2 variant alleles.
Comment: MAGI1: PM2:Supporting, BP4, BP7